The following is an entry in ClinVar:

NM_005617.4(RPS14):c.321C>T (p.Thr107=)

Gene: RPS14 (ribosomal protein S14; minus strand). Cytogenetic location: 5q33.1.
Variant type: single nucleotide variant.
Coding change: c.321C>T on transcript NM_005617.4 (MANE Select); coding-DNA position 321, C replaced by T.
Protein change: p.Thr107=; no amino-acid change (threonine 107 retained).
Molecular consequence: synonymous variant.
Genome position (GRCh38, 1-based): chr5:150,445,676, G>A on the plus strand (C>T on the coding strand, the complement: RPS14 is on the minus strand). VCF-style: chr5-150445676-G-A. GRCh37 (hg19) VCF-style: chr5-149825239-G-A.
Other names: c.321C>T, p.Thr107= (NM_001025070.2, NM_001025071.2).
Identifiers: ClinVar variation 3353119 (VCV003353119.1).

ClinVar aggregate classification (germline): Likely benign (0 of 4 stars; one submission).

Conditions:
RPS14-related condition.

gnomAD v4.1: 211 of 1,607,312 alleles (0.013%); highest among the groups gnomAD compares: Non-Finnish European, 0.015%; no homozygotes.

Submission:

PreventionGenetics, part of Exact Sciences
Classification: Likely benign for RPS14-related condition. Last evaluated: 2024-04-23. Review status: no assertion criteria provided. Collection method: clinical testing. Allele origin: germline.
Comment: This variant is classified as likely benign based on ACMG/AMP sequence variant interpretation guidelines (Richards et al. 2015 PMID: 25741868, with internal and published modifications).